The following is an entry in ClinVar:

ClinVar aggregate classification (germline): Uncertain significance (1 of 4 stars; one submission).

Conditions:
Progressive sclerosing poliodystrophy (MTDPS4A). Also called: ALPERS PROGRESSIVE INFANTILE POLIODYSTROPHY; NEURONAL DEGENERATION OF CHILDHOOD WITH LIVER DISEASE, PROGRESSIVE; Alpers Syndrome; ALPERS DIFFUSE DEGENERATION OF CEREBRAL GRAY MATTER WITH HEPATIC CIRRHOSIS; Alpers-Huttenlocher Syndrome; Mitochondrial DNA depletion syndrome 4A (Alpers type). Identifiers: Orphanet 726, MedGen C0205710, MONDO:0008758, OMIM 203700.

gnomAD v4.1: 2 of 1,613,900 alleles (0.00012%); highest among the groups gnomAD compares: East Asian, 0.0022%; no homozygotes.

Submission:

Labcorp Genetics (formerly Invitae), Labcorp
Classification: Uncertain significance for Progressive sclerosing poliodystrophy. Last evaluated: 2025-01-13. Review status: criteria provided, single submitter. Criteria: Invitae Variant Classification Sherloc (09022015). Collection method: clinical testing. Allele origin: germline.
Comment: This sequence change replaces isoleucine, which is neutral and non-polar, with valine, which is neutral and non-polar, at codon 744 of the POLG protein (p.Ile744Val). This variant is not present in population databases (gnomAD no frequency). This variant has not been reported in the literature in individuals affected with POLG-related conditions. Invitae Evidence Modeling of protein sequence and biophysical properties (such as structural, functional, and spatial information, amino acid conservation, physicochemical variation, residue mobility, and thermodynamic stability) indicates that this missense variant is not expected to disrupt POLG protein function with a negative predictive value of 95%. In summary, the available evidence is currently insufficient to determine the role of this variant in disease. Therefore, it has been classified as a Variant of Uncertain Significance.

NM_002693.3(POLG):c.2230A>G (p.Ile744Val)

Gene: POLG (DNA polymerase gamma, catalytic subunit; minus strand). Cytogenetic location: 15q26.1.
Variant type: single nucleotide variant.
Coding change: c.2230A>G on transcript NM_002693.3 (MANE Select); coding-DNA position 2230, A replaced by G.
Protein change: p.Ile744Val; replaces isoleucine 744 with valine.
Molecular consequence: missense variant.
Genome position (GRCh38, 1-based): chr15:89,323,439, T>C on the plus strand (A>G on the coding strand, the complement: POLG is on the minus strand). VCF-style: chr15-89323439-T-C. GRCh37 (hg19) VCF-style: chr15-89866670-T-C.
Other names: c.2230A>G, p.Ile744Val (NM_001126131.2); short protein forms I744V.
Identifiers: ClinVar variation 3636635 (VCV003636635.2).